The following is an entry in ClinVar:

ClinVar aggregate classification (germline): Uncertain significance (1 of 4 stars; one submission).

Conditions:
5-Oxoprolinase deficiency (OPLAHD). Also called: 5-OXOPROLINURIA DUE TO 5-OXOPROLINASE DEFICIENCY. Identifiers: Orphanet 33572, MedGen C0268525, MONDO:0009825, OMIM 260005, HP:0040142.

Allele frequency attached by ClinVar (database versions not stated): gnomAD exomes below 0.00001; gnomAD 0.00001.
gnomAD v4.1: 3 of 1,611,174 alleles (0.00019%); highest among the groups gnomAD compares: Middle Eastern, 0.016%; no homozygotes.

Submission:

Labcorp Genetics (formerly Invitae), Labcorp
Classification: Uncertain significance for 5-Oxoprolinase deficiency. Last evaluated: 2022-10-17. Review status: criteria provided, single submitter. Criteria: Invitae Variant Classification Sherloc (09022015). Collection method: clinical testing. Allele origin: germline.
Comment: This variant is not present in population databases (gnomAD no frequency). In summary, the available evidence is currently insufficient to determine the role of this variant in disease. Therefore, it has been classified as a Variant of Uncertain Significance. Experimental studies and prediction algorithms are not available or were not evaluated, and the functional significance of this variant is currently unknown. This variant has not been reported in the literature in individuals affected with OPLAH-related conditions. This sequence change replaces methionine, which is neutral and non-polar, with leucine, which is neutral and non-polar, at codon 79 of the OPLAH protein (p.Met79Leu).

NM_017570.5(OPLAH):c.235A>C (p.Met79Leu)

Gene: OPLAH (5-oxoprolinase, ATP-hydrolysing; minus strand). Cytogenetic location: 8q24.3.
Variant type: single nucleotide variant.
Coding change: c.235A>C on transcript NM_017570.5 (MANE Select); coding-DNA position 235, A replaced by C.
Protein change: p.Met79Leu; replaces methionine 79 with leucine.
Molecular consequence: missense variant.
Genome position (GRCh38, 1-based): chr8:144,059,727, T>G on the plus strand (A>C on the coding strand, the complement: OPLAH is on the minus strand). VCF-style: chr8-144059727-T-G. GRCh37 (hg19) VCF-style: chr8-145114630-T-G.
Other names: short protein forms M79L.
Identifiers: ClinVar variation 2006618 (VCV002006618.4), dbSNP rs2129846209, ClinGen allele CA372574867.